The following is an entry in ClinVar:

NM_001130823.3(DNMT1):c.2855G>C (p.Gly952Ala)

Gene: DNMT1 (DNA methyltransferase 1; minus strand). Cytogenetic location: 19p13.2.
Variant type: single nucleotide variant.
Coding change: c.2855G>C on transcript NM_001130823.3 (MANE Select); coding-DNA position 2855, G replaced by C.
Protein change: p.Gly952Ala; replaces glycine 952 with alanine.
Molecular consequence: missense variant.
Genome position (GRCh38, 1-based): chr19:10,146,390, C>G on the plus strand (G>C on the coding strand, the complement: DNMT1 is on the minus strand). VCF-style: chr19-10146390-C-G. GRCh37 (hg19) VCF-style: chr19-10257066-C-G.
Other names: c.2807G>C, p.Gly936Ala (NM_001318730.2, NM_001379.4); c.2492G>C, p.Gly831Ala (NM_001318731.2); short protein forms G936A, G952A, G831A.
Identifiers: ClinVar variation 1948565 (VCV001948565.7), dbSNP rs1568228055, ClinGen allele CA403976167.

ClinVar aggregate classification (germline): Uncertain significance. Review status: criteria provided, multiple submitters, no conflicts (2 of 4 stars). 2 submissions from 2 submitters: Uncertain significance (2). Last evaluated 2026-04-25.

Conditions:
Hereditary sensory neuropathy-deafness-dementia syndrome. Also called: Hereditary sensory neuropathy type IE; HSN IE; NEUROPATHY, HEREDITARY SENSORY, WITH HEARING LOSS AND DEMENTIA; Hereditary Sensory and Autonomic Neuropathy Type 1E (HSAN1E). Identifiers: Orphanet 456318, MedGen C3279885, MONDO:0013584, OMIM 614116.

gnomAD v4.1: 3 of 1,614,038 alleles (0.00019%); highest among the groups gnomAD compares: Non-Finnish European, 0.00017%; no homozygotes.

Submissions (2):

Dasa
Classification: Uncertain significance. Last evaluated: 2026-04-25. Review status: criteria provided, single submitter. Criteria: DASA Assertion Criteria. Collection method: clinical testing. Allele origin: germline.
Comment: NM_001130823.3(DNMT1):c.2855G>C (p.Gly952Ala) is a missense variant that results in the substitution of glycine with alanine. This variant is rare in population databases. Computational prediction algorithms are consistent with a deleterious effect. The currently available literature and clinical evidence are not sufficient to establish a definitive association between this variant and the reported condition. Therefore, this variant is classified as a variant of uncertain significance.

Labcorp Genetics (formerly Invitae), Labcorp
Classification: Uncertain significance for Hereditary sensory neuropathy-deafness-dementia syndrome. Last evaluated: 2022-09-30. Review status: criteria provided, single submitter. Criteria: Invitae Variant Classification Sherloc (09022015). Collection method: clinical testing. Allele origin: germline.
Comment: In summary, the available evidence is currently insufficient to determine the role of this variant in disease. Therefore, it has been classified as a Variant of Uncertain Significance. Advanced modeling of protein sequence and biophysical properties (such as structural, functional, and spatial information, amino acid conservation, physicochemical variation, residue mobility, and thermodynamic stability) performed at Invitae indicates that this missense variant is expected to disrupt DNMT1 protein function. This variant has not been reported in the literature in individuals affected with DNMT1-related conditions. This variant is not present in population databases (gnomAD no frequency). This sequence change replaces glycine, which is neutral and non-polar, with alanine, which is neutral and non-polar, at codon 952 of the DNMT1 protein (p.Gly952Ala).